The following is an entry in ClinVar:

NM_000268.4(NF2):c.953T>G (p.Val318Gly)

Gene: NF2 (NF2, moesin-ezrin-radixin like (MERLIN) tumor suppressor; plus strand). Cytogenetic location: 22q12.2.
Variant type: single nucleotide variant.
Coding change: c.953T>G on transcript NM_000268.4 (MANE Select); coding-DNA position 953, T replaced by G.
Protein change: p.Val318Gly; replaces valine 318 with glycine.
Molecular consequence: missense variant. On other transcripts: non-coding transcript variant (1), intron variant (1).
Genome position (GRCh38, 1-based): chr22:29,668,400, T>G. VCF-style: chr22-29668400-T-G. GRCh37 (hg19) VCF-style: chr22-30064389-T-G.
Other names: c.839T>G, p.Val280Gly (NM_001407053.1, NM_001407056.1); c.830T>G, p.Val277Gly (NM_001407054.1, NM_001407058.1, NM_181829.3); c.827T>G, p.Val276Gly (NM_001407055.1, NM_181828.3); c.818T>G, p.Val273Gly (NM_001407057.1, NM_001407059.1); c.953T>G, p.Val318Gly (NM_001407060.1, NM_001407066.1, NM_016418.5 and 2 more transcripts); c.695T>G, p.Val232Gly (NM_001407062.1); c.704T>G, p.Val235Gly (NM_001407063.1, NM_001407064.1, NM_181830.3 and 1 more transcripts); c.419T>G, p.Val140Gly (NM_001407065.1); and 2 more; short protein forms V140G, V318G, V235G, V273G, V232G, V241G, V276G, V277G.
Identifiers: ClinVar variation 2568054 (VCV002568054.2), dbSNP rs2518645961, ClinGen allele CA411145909.

ClinVar aggregate classification (germline): Uncertain significance (1 of 4 stars; one submission).

Conditions:
Hereditary cancer-predisposing syndrome. Also called: Hereditary neoplastic syndrome; Hereditary Cancer Syndrome; Neoplastic Syndromes, Hereditary; Tumor predisposition. Identifiers: Orphanet 140162, MedGen C0027672, MeSH D009386, MONDO:0015356.

Submission:

Ambry Genetics
Classification: Uncertain significance for Hereditary cancer-predisposing syndrome. Last evaluated: 2023-04-19. Review status: criteria provided, single submitter. Criteria: Ambry Variant Classification Scheme 2023. Collection method: clinical testing. Allele origin: germline.
Comment: The p.V318G variant (also known as c.953T>G), located in coding exon 10 of the NF2 gene, results from a T to G substitution at nucleotide position 953. The valine at codon 318 is replaced by glycine, an amino acid with dissimilar properties. This amino acid position is conserved. In addition, this alteration is predicted to be deleterious by in silico analysis. Since supporting evidence is limited at this time, the clinical significance of this alteration remains unclear.